The following is an entry in ClinVar:

ClinVar aggregate classification (germline): Conflicting classifications of pathogenicity. Review status: criteria provided, conflicting classifications (1 of 4 stars). 3 submissions from 3 submitters: Uncertain significance (1); Likely benign (2). Last evaluated 2025-02-13.

Conditions:
Primary ciliary dyskinesia. Also called: Ciliary dyskinesia. Identifiers: Orphanet 244, MedGen C0008780, MONDO:0016575, HP:0012265.

Allele frequency attached by ClinVar (database versions not stated): gnomAD exomes below 0.00001; TOPMed below 0.00001; gnomAD 0.00001.
gnomAD v4.1: 4 of 1,600,952 alleles (0.00025%); highest among the groups gnomAD compares: Non-Finnish European, 0.00034%; no homozygotes.

Submissions (3):

Labcorp Genetics (formerly Invitae), Labcorp
Classification: Likely benign for Primary ciliary dyskinesia. Last evaluated: 2025-02-13. Review status: criteria provided, single submitter. Criteria: Invitae Variant Classification Sherloc (09022015). Collection method: clinical testing. Allele origin: germline.

Blueprint Genetics
Classification: Likely benign. Last evaluated: 2020-11-03. Review status: criteria provided, single submitter. Criteria: ACMG Guidelines, 2015. Collection method: clinical testing. Allele origin: germline.

Laboratory for Molecular Medicine, Mass General Brigham Personalized Medicine
Classification: Uncertain significance. Last evaluated: 2014-07-01. Review status: criteria provided, single submitter. Criteria: LMM Criteria. Collection method: clinical testing. Allele origin: germline. Observed: 1 variant allele.
Comment: The 3853-12T>A variant in DNAH11 has not been previously identified in individua ls with pulmonary disease or in large population studies. This variant is locate d in the 3' splice region, and computational tools do not suggest an impact to s plicing. However, this information is not predictive enough to rule out pathogen icity. In summary, the clinical significance of the 3853-12T>A variant is uncert ain.

NM_001277115.2(DNAH11):c.3853-12T>A

Gene: DNAH11 (dynein axonemal heavy chain 11; plus strand). Cytogenetic location: 7p15.3.
Variant type: single nucleotide variant.
Coding change: c.3853-12T>A on transcript NM_001277115.2 (MANE Select); 12 bases into the intron before coding-DNA position 3853, T replaced by A.
Molecular consequence: intron variant.
Genome position (GRCh38, 1-based): chr7:21,615,102, T>A. VCF-style: chr7-21615102-T-A. GRCh37 (hg19) VCF-style: chr7-21654720-T-A.
Identifiers: ClinVar variation 163103 (VCV000163103.13), dbSNP rs727502966, ClinGen allele CA175717.
Genomic context (GRCh38, chr7:21,615,102, plus strand): 5'-CCAGAGCTACAGAACTGCATGTCTTCTCTTTCTCTGGCAGTTTGTATGCAGGTGTTTATG[T>A]TCTCTCCTTAGGCAAATGAAGAGCTTGAGGCCTTAGAAGAAGAAATGTTGCAGATGCAAG-3'